The following is an entry in ClinVar:

NM_001206927.2(DNAH8):c.10582G>A (p.Ala3528Thr)

Genes: DNAH8 (dynein axonemal heavy chain 8; plus strand), DNAH8-AS1 (DNAH8 antisense RNA 1; minus strand). Cytogenetic location: 6p21.2.
Variant type: single nucleotide variant.
Coding change: c.10582G>A on transcript NM_001206927.2 (MANE Select); coding-DNA position 10582, G replaced by A.
Protein change: p.Ala3528Thr; replaces alanine 3528 with threonine.
Molecular consequence: missense variant.
Genome position (GRCh38, 1-based): chr6:38,921,426, G>A. VCF-style: chr6-38921426-G-A. GRCh37 (hg19) VCF-style: chr6-38889202-G-A.
Other names: c.9931G>A, p.Ala3311Thr (NM_001371.4); short protein forms A3311T, A3528T.
Identifiers: ClinVar variation 2633003 (VCV002633003.1), dbSNP rs1186726315, ClinGen allele CA364010650.

ClinVar aggregate classification (germline): Uncertain significance (1 of 4 stars; one submission).

Conditions:
DNAH8-related disorder. Also called: DNAH8-related condition.

Allele frequency attached by ClinVar (database versions not stated): gnomAD exomes below 0.00001; TOPMed below 0.00001; gnomAD 0.00001.
gnomAD v4.1: 2 of 1,613,632 alleles (0.00012%); highest among the groups gnomAD compares: Non-Finnish European, 0.00017%; no homozygotes.

Submission:

PreventionGenetics, part of Exact Sciences
Classification: Uncertain significance for DNAH8-related condition. Last evaluated: 2023-04-19. Review status: criteria provided, single submitter. Criteria: ACMG Guidelines, 2015. Collection method: clinical testing. Allele origin: germline.
Comment: The DNAH8 c.10582G>A variant is predicted to result in the amino acid substitution p.Ala3528Thr. To our knowledge, this variant has not been reported in the literature or in a large population database, indicating this variant is rare. At this time, the clinical significance of this variant is uncertain due to the absence of conclusive functional and genetic evidence.